The following is an entry in ClinVar:

NM_022114.4(PRDM16):c.1496_1497del (p.Pro499fs)

Gene: PRDM16 (PR/SET domain 16; plus strand). Cytogenetic location: 1p36.32.
Variant type: Deletion.
Coding change: c.1496_1497del on transcript NM_022114.4 (MANE Select); coding-DNA positions 1496 to 1497, 2 bases deleted (CC; older notation c.1496_1497delCC).
Protein change: p.Pro499fs; shifts the reading frame from proline 499.
Molecular consequence: frameshift variant.
Genome position (GRCh38, 1-based): chr1:3,411,693-3,411,694, CC deleted; deleting any 2 consecutive bases within chr1:3,411,692-3,411,694 gives the same sequence; the c. name uses the placement nearest the transcript's 3' end. VCF-style (leftmost placement, unchanged base first): chr1-3411691-GCC-G. GRCh37 (hg19) VCF-style: chr1-3328255-GCC-G.
Other names: c.1496_1497del, p.Pro499fs (NM_199454.3); short protein forms P499fs.
Identifiers: ClinVar variation 2866784 (VCV002866784.3), dbSNP rs2523881887, ClinGen allele CA2739272229.

ClinVar aggregate classification (germline): Uncertain significance (1 of 4 stars; one submission).

Conditions:
Left ventricular noncompaction 8 (LVNC8). Identifiers: Orphanet 154, Orphanet 54260, MedGen C3809288, MONDO:0014152, OMIM 615373.

Submission:

Labcorp Genetics (formerly Invitae), Labcorp
Classification: Uncertain significance for Left ventricular noncompaction 8. Last evaluated: 2023-05-22. Review status: criteria provided, single submitter. Criteria: Invitae Variant Classification Sherloc (09022015). Collection method: clinical testing. Allele origin: germline.
Comment: This sequence change creates a premature translational stop signal (p.Pro499Leufs*104) in the PRDM16 gene. It is expected to result in an absent or disrupted protein product. However, the current clinical and genetic evidence is not sufficient to establish whether loss-of-function variants in PRDM16 cause disease. This variant is not present in population databases (gnomAD no frequency). This variant has not been reported in the literature in individuals affected with PRDM16-related conditions. In summary, the available evidence is currently insufficient to determine the role of this variant in disease. Therefore, it has been classified as a Variant of Uncertain Significance.